The following is an entry in ClinVar:

ClinVar aggregate classification (germline): Uncertain significance. Review status: criteria provided, multiple submitters, no conflicts (2 of 4 stars). 2 submissions from 2 submitters: Uncertain significance (2). Last evaluated 2025-10-07.

Conditions:
Endometrial carcinoma. Also called: Endometrial carcinoma, somatic. Identifiers: MedGen C0476089, MONDO:0002447, OMIM 608089, HP:0012114.
Colorectal cancer, hereditary nonpolyposis, type 7. Identifiers: Orphanet 144, MedGen C1858380, MONDO:0013725, OMIM 614385.
Colorectal cancer. Also called: Colorectal cancer, somatic; Malignant Colorectal Neoplasm. Identifiers: MedGen C0346629, MONDO:0005575, OMIM 114500.

Allele frequency attached by ClinVar (database versions not stated): ExAC 0.00001; gnomAD 0.00001.
gnomAD v4.1: 3 of 1,614,028 alleles (0.00019%); highest among the groups gnomAD compares: Non-Finnish European, 0.00025%; no homozygotes.

Submissions (2):

Ambry Genetics
Classification: Uncertain significance. Last evaluated: 2025-10-07. Review status: criteria provided, single submitter. Criteria: Ambry Variant Classification Scheme 2023. Collection method: clinical testing. Allele origin: germline.
Comment: The p.D1015E variant (also known as c.3045C>A), located in coding exon 1 of the MLH3 gene, results from a C to A substitution at nucleotide position 3045. The aspartic acid at codon 1015 is replaced by glutamic acid, an amino acid with highly similar properties. This amino acid position is conserved. In addition, this alteration is predicted to be tolerated by in silico analysis. Since supporting evidence is limited at this time, the clinical significance of this alteration remains unclear.

Department of Pathology and Laboratory Medicine, Sinai Health System
Classification: Uncertain significance for Colorectal cancer; Endometrial carcinoma; Colorectal cancer, hereditary nonpolyposis, type 7. Last evaluated: 2022-06-23. Review status: criteria provided, single submitter. Criteria: ACMG Guidelines, 2015. Collection method: clinical testing. Allele origin: germline. Affected: yes.

NM_001040108.2(MLH3):c.3045C>A (p.Asp1015Glu)

Gene: MLH3 (mutL homolog 3; minus strand). Cytogenetic location: 14q24.3.
Variant type: single nucleotide variant.
Coding change: c.3045C>A on transcript NM_001040108.2 (MANE Select); coding-DNA position 3045, C replaced by A.
Protein change: p.Asp1015Glu; replaces aspartic acid 1015 with glutamic acid.
Molecular consequence: missense variant.
Genome position (GRCh38, 1-based): chr14:75,046,611, G>T on the plus strand (C>A on the coding strand, the complement: MLH3 is on the minus strand). VCF-style: chr14-75046611-G-T. GRCh37 (hg19) VCF-style: chr14-75513314-G-T.
Other names: c.3045C>A, p.Asp1015Glu (NM_014381.3); short protein forms D1015E.
Identifiers: ClinVar variation 1799191 (VCV001799191.4), dbSNP rs771541032, ClinGen allele CA7275598.
Genomic context (GRCh38, chr14:75,046,611, plus strand): 5'-TTCAGTTTCAGAACAAGCTCTTGCTTTAGATTCCTCACTCTGAAAACAAATTCCATTTTG[G>T]TCACCTGTGGCATCTTCTACCGGATTCATTAACATTCCACTGGGAGAGTCAAGACTTCCT-3'
Protein context (NP_001035197.1, residues 1005-1025): LMNPVEDATG[Asp1015Glu]QNGICFQSEE